The following is an entry in ClinVar:

NM_000273.3(GPR143):c.250+1G>T

Gene: GPR143 (G protein-coupled receptor 143; minus strand). Cytogenetic location: Xp22.2.
Variant type: single nucleotide variant.
Coding change: c.250+1G>T on transcript NM_000273.3 (MANE Select); the canonical splice donor site of the intron after coding-DNA position 250, G replaced by T.
Molecular consequence: splice donor variant.
Genome position (GRCh38, 1-based): chrX:9,765,567, C>A on the plus strand (G>T on the coding strand, the complement: GPR143 is on the minus strand). VCF-style: chrX-9765567-C-A. GRCh37 (hg19) VCF-style: chrX-9733607-C-A.
Identifiers: ClinVar variation 1486075 (VCV001486075.6), dbSNP rs2146705592, ClinGen allele CA412000319.

ClinVar aggregate classification (germline): Likely pathogenic (1 of 4 stars; one submission).

gnomAD v4.1: 1 of 1,079,807 alleles (0.000093%); no homozygotes.

Submission:

Labcorp Genetics (formerly Invitae), Labcorp
Classification: Likely pathogenic. Last evaluated: 2022-07-19. Review status: criteria provided, single submitter. Criteria: Invitae Variant Classification Sherloc (09022015). Collection method: clinical testing. Allele origin: germline.
Comment: This variant has not been reported in the literature in individuals affected with GPR143-related conditions. ClinVar contains an entry for this variant (Variation ID: 1486075). Algorithms developed to predict the effect of sequence changes on RNA splicing suggest that this variant may disrupt the consensus splice site. In summary, the currently available evidence indicates that the variant is pathogenic, but additional data are needed to prove that conclusively. Therefore, this variant has been classified as Likely Pathogenic. This variant is not present in population databases (gnomAD no frequency). This sequence change affects a donor splice site in intron 1 of the GPR143 gene. It is expected to disrupt RNA splicing. Variants that disrupt the donor or acceptor splice site typically lead to a loss of protein function (PMID: 16199547), and loss-of-function variants in GPR143 are known to be pathogenic (PMID: 15965158, 18978956, 19390656, 21541274, 26160353, 28211458).

Literature cited by the submitters: PubMed 16199547; PubMed 15965158; PubMed 18978956; PubMed 19390656; PubMed 21541274; PubMed 26160353; PubMed 28211458.